The following is an entry in ClinVar:

ClinVar aggregate classification (germline): Uncertain significance. Review status: criteria provided, multiple submitters, no conflicts (2 of 4 stars). 2 submissions from 2 submitters: Uncertain significance (2). Last evaluated 2024-03-01.

Conditions:
Primary ciliary dyskinesia. Also called: Ciliary dyskinesia. Identifiers: Orphanet 244, MedGen C0008780, MONDO:0016575, HP:0012265.

Allele frequency attached by ClinVar (database versions not stated): TOPMed 0.00001.
gnomAD v4.1: 1 of 1,613,592 alleles (0.000062%); highest among the groups gnomAD compares: African/African-American, 0.0013%; no homozygotes.

Submissions (2):

Ambry Genetics
Classification: Uncertain significance. Last evaluated: 2024-03-01. Review status: criteria provided, single submitter. Criteria: Ambry Variant Classification Scheme 2023. Collection method: clinical testing. Allele origin: germline.

Labcorp Genetics (formerly Invitae), Labcorp
Classification: Uncertain significance for Primary ciliary dyskinesia. Last evaluated: 2018-04-06. Review status: criteria provided, single submitter. Criteria: Invitae Variant Classification Sherloc (09022015). Collection method: clinical testing. Allele origin: germline.
Comment: This variant has not been reported in the literature in individuals with DNAH8-related disease. In summary, the available evidence is currently insufficient to determine the role of this variant in disease. Therefore, it has been classified as a Variant of Uncertain Significance. Algorithms developed to predict the effect of missense changes on protein structure and function do not agree on the potential impact of this missense change (SIFT: "Deleterious"; PolyPhen-2: "Benign"; Align-GVGD: "Class C15"). This variant is not present in population databases (ExAC no frequency). This sequence change replaces phenylalanine with leucine at codon 3411 of the DNAH8 protein (p.Phe3411Leu). The phenylalanine residue is highly conserved and there is a small physicochemical difference between phenylalanine and leucine.

NM_001206927.2(DNAH8):c.10233T>G (p.Phe3411Leu)

Genes: DNAH8-AS1 (DNAH8 antisense RNA 1; minus strand), DNAH8 (dynein axonemal heavy chain 8; plus strand). Cytogenetic location: 6p21.2.
Variant type: single nucleotide variant.
Coding change: c.10233T>G on transcript NM_001206927.2 (MANE Select); coding-DNA position 10233, T replaced by G.
Protein change: p.Phe3411Leu; replaces phenylalanine 3411 with leucine.
Molecular consequence: missense variant.
Genome position (GRCh38, 1-based): chr6:38,917,331, T>G. VCF-style: chr6-38917331-T-G. GRCh37 (hg19) VCF-style: chr6-38885107-T-G.
Other names: c.9582T>G, p.Phe3194Leu (NM_001371.4); short protein forms F3411L, F3194L.
Identifiers: ClinVar variation 574887 (VCV000574887.10), dbSNP rs1180672703, ClinGen allele CA364007394.
Genomic context (GRCh38, chr6:38,917,331, plus strand): 5'-GAAACTTGCAAAACCACCACATCTTATTATGAGAATCATGGACTGTGTTCTGTTACTATT[T>G]CAAAAGAAAATTGACCCTGTTACTATGGATCCAGAAAAATCTTGCTGTAAGCCATCATGG-3'
Protein context (NP_001193856.1, residues 3401-3421): MRIMDCVLLL[Phe3411Leu]QKKIDPVTMD